The following is an entry in ClinVar:

NM_003640.5(ELP1):c.2584C>T (p.Gln862Ter)

Gene: ELP1 (elongator acetyltransferase complex subunit 1; minus strand). Cytogenetic location: 9q31.3.
Variant type: single nucleotide variant.
Coding change: c.2584C>T on transcript NM_003640.5 (MANE Select); coding-DNA position 2584, C replaced by T.
Protein change: p.Gln862Ter; replaces glutamine 862 with a stop codon.
Molecular consequence: nonsense.
Genome position (GRCh38, 1-based): chr9:108,896,956, G>A on the plus strand (C>T on the coding strand, the complement: ELP1 is on the minus strand). VCF-style: chr9-108896956-G-A. GRCh37 (hg19) VCF-style: chr9-111659236-G-A.
Other names: c.2242C>T, p.Gln748Ter (NM_001318360.2); c.1537C>T, p.Gln513Ter (NM_001330749.2); short protein forms Q513*, Q748*, Q862*.
Identifiers: ClinVar variation 1724350 (VCV001724350.2), dbSNP rs2537890305, ClinGen allele CA374420300.

ClinVar aggregate classification (germline): Likely pathogenic (1 of 4 stars; one submission).

Conditions:
Familial dysautonomia. Also called: HSAN III; FD. Identifiers: Orphanet 1764, MedGen C0013364, MONDO:0009131, OMIM 223900. Disease mechanism: loss of function.

Submission:

Myriad Genetics, Inc.
Classification: Likely pathogenic for Familial dysautonomia. Last evaluated: 2022-02-07. Review status: criteria provided, single submitter. Criteria: Myriad Women's Health Autosomal Recessive and X-Linked Classification Criteria (2021). Collection method: clinical testing. Allele origin: unknown.
Comment: NM_003640.3(ELP1):c.2584C>T(Q862*) is expected to be pathogenic in the context of familial dysautonomia. This variant is predicted to lead to an abnormal or absent protein product due to the creation of a premature termination codon in ELP1, a gene where loss-of-function variants are known to be pathogenic. Please note: this variant was assessed in the context of healthy population screening.